The following is an entry in ClinVar:

ClinVar aggregate classification (germline): Conflicting classifications of pathogenicity. Review status: criteria provided, conflicting classifications (1 of 4 stars). 9 submissions from 9 submitters: Uncertain significance (3); Benign (1); Likely benign (2). 3 of the submissions do not count toward it. Last evaluated 2024-12-15.

Conditions:
TUBB2B-related disorder. Also called: TUBB2B-related condition.
Inborn genetic diseases. Identifiers: MedGen C0950123, MeSH D030342.

Allele frequency attached by ClinVar (database versions not stated): ExAC 0.00008; gnomAD 0.00040.

Submissions (9):

Labcorp Genetics (formerly Invitae), Labcorp
Classification: Uncertain significance. Last evaluated: 2024-12-15. Review status: criteria provided, single submitter. Criteria: Invitae Variant Classification Sherloc (09022015). Collection method: clinical testing. Allele origin: germline.
Comment: This sequence change replaces cysteine, which is neutral and slightly polar, with serine, which is neutral and polar, at codon 201 of the TUBB2B protein (p.Cys201Ser). The frequency data for this variant in the population databases is considered unreliable, as metrics indicate poor data quality at this position in the gnomAD database. This variant has not been reported in the literature in individuals affected with TUBB2B-related conditions. ClinVar contains an entry for this variant (Variation ID: 160183). Invitae Evidence Modeling of protein sequence and biophysical properties (such as structural, functional, and spatial information, amino acid conservation, physicochemical variation, residue mobility, and thermodynamic stability) indicates that this missense variant is not expected to disrupt TUBB2B protein function with a negative predictive value of 80%. In summary, the available evidence is currently insufficient to determine the role of this variant in disease. Therefore, it has been classified as a Variant of Uncertain Significance.

Blueprint Genetics
Classification: Likely benign. Last evaluated: 2024-11-04. Review status: criteria provided, single submitter. Criteria: ACMG Guidelines, 2015. Collection method: clinical testing. Allele origin: germline.

Ambry Genetics
Classification: Uncertain significance for Inborn genetic diseases. Last evaluated: 2021-07-15. Review status: criteria provided, single submitter. Criteria: Ambry Variant Classification Scheme 2023. Collection method: clinical testing. Allele origin: germline.

GeneDx
Classification: Likely benign. Last evaluated: 2021-06-18. Review status: criteria provided, single submitter. Criteria: GeneDx Variant Classification Process June 2021. Collection method: clinical testing. Allele origin: germline. Affected: yes.
Comment: Missense variants in this gene are often considered pathogenic (Stenson et al., 2014); In silico analysis supports that this missense variant has a deleterious effect on protein structure/function; Has not been previously published as pathogenic or benign to our knowledge

Athena Diagnostics
Classification: Uncertain significance. Last evaluated: 2016-08-23. Review status: criteria provided, single submitter. Criteria: Athena Diagnostics Criteria. Collection method: clinical testing. Allele origin: germline.

Genetic Services Laboratory, University of Chicago
Classification: Benign. Last evaluated: 2013-02-08. Review status: criteria provided, single submitter. Criteria: ACMG Guidelines, 2007. Collection method: clinical testing. Allele origin: germline. Inheritance: Autosomal dominant inheritance.

PreventionGenetics, part of Exact Sciences
Classification: Uncertain significance for TUBB2B-related condition. Last evaluated: 2024-04-15. Review status: no assertion criteria provided. Collection method: clinical testing. Allele origin: germline. Not counted in ClinVar's aggregate classification.
Comment: The TUBB2B c.602G>C variant is predicted to result in the amino acid substitution p.Cys201Ser. To our knowledge, this variant has not been reported in the literature. This variant is reported in 0.013% of alleles in individuals of European (Non-Finnish) descent in gnomAD. Alternative variant at the same codon p.Cys201Phe has been reported de-novo in an individual with tubulin-related dysgyria (Table 1, Stutterd et al. 2021. PubMed ID: 33604570). Although we suspect that this variant may be benign, at this time, the clinical significance of this variant is uncertain due to the absence of conclusive functional and genetic evidence.

Clinical Genetics DNA and cytogenetics Diagnostics Lab, Erasmus MC, Erasmus Medical Center
Classification: Likely benign. Review status: no assertion criteria provided. Collection method: clinical testing. Allele origin: germline. Affected: yes. Study: VKGL Data-share Consensus. Not counted in ClinVar's aggregate classification.

Diagnostic Laboratory, Department of Genetics, University Medical Center Groningen
Classification: Likely benign. Review status: no assertion criteria provided. Collection method: clinical testing. Allele origin: germline. Affected: yes. Study: VKGL Data-share Consensus. Not counted in ClinVar's aggregate classification.

NM_178012.5(TUBB2B):c.602G>C (p.Cys201Ser)

Gene: TUBB2B (tubulin beta 2B class IIb; minus strand). Cytogenetic location: 6p25.2.
Variant type: single nucleotide variant.
Coding change: c.602G>C on transcript NM_178012.5 (MANE Select); coding-DNA position 602, G replaced by C.
Protein change: p.Cys201Ser; replaces cysteine 201 with serine.
Molecular consequence: missense variant.
Genome position (GRCh38, 1-based): chr6:3,225,487, C>G on the plus strand (G>C on the coding strand, the complement: TUBB2B is on the minus strand). VCF-style: chr6-3225487-C-G. GRCh37 (hg19) VCF-style: chr6-3225721-C-G.
Other names: short protein forms C201S.
Identifiers: ClinVar variation 160183 (VCV000160183.19), dbSNP rs201922441, ClinGen allele CA173781.
Genomic context (GRCh38, chr6:3,225,487, plus strand): 5'-GTGGGGGTGGTCAGCTTCAGGGTGCGGAAGCAGATGTCATACAGGGCCTCGTTGTCAATG[C>G]AGTAGGTTTCATCTGTGTTTTCCACCAGCTGGTGGACCGAGAGGGTGGCGTTGTAGGGCT-3'
Protein context (NP_821080.1, residues 191-211): QLVENTDETY[Cys201Ser]IDNEALYDIC